The following is an entry in ClinVar:

ClinVar aggregate classification (germline): Uncertain significance (1 of 4 stars; one submission).

Submission:

GeneDx
Classification: Uncertain significance. Last evaluated: 2024-09-03. Review status: criteria provided, single submitter. Criteria: GeneDx Variant Classification Process June 2021. Collection method: clinical testing. Allele origin: germline. Affected: yes.
Comment: Not observed at significant frequency in large population cohorts (gnomAD); In silico analysis supports that this missense variant has a deleterious effect on protein structure/function; Has not been previously published as pathogenic or benign to our knowledge

NM_004369.4(COL6A3):c.9472T>C (p.Cys3158Arg)

Genes: COL6A3 (collagen type VI alpha 3 chain; minus strand), LOC126806573 (CDK7 strongly-dependent group 2 enhancer GRCh37_chr2:238233151-238234350; plus strand). Cytogenetic location: 2q37.3.
Variant type: single nucleotide variant.
Coding change: c.9472T>C on transcript NM_004369.4 (MANE Select); coding-DNA position 9472, T replaced by C.
Protein change: p.Cys3158Arg; replaces cysteine 3158 with arginine.
Molecular consequence: missense variant.
Genome position (GRCh38, 1-based): chr2:237,325,581, A>G on the plus strand (T>C on the coding strand, the complement: COL6A3 is on the minus strand). VCF-style: chr2-237325581-A-G. GRCh37 (hg19) VCF-style: chr2-238234224-A-G.
Other names: c.8854T>C, p.Cys2952Arg (NM_057167.4); c.7651T>C, p.Cys2551Arg (NM_057166.5); short protein forms C2551R, C2952R, C3158R.
Identifiers: ClinVar variation 3766164 (VCV003766164.1).